The following is an entry in ClinVar:

ClinVar aggregate classification (germline): Uncertain significance (1 of 4 stars; one submission).

Conditions:
Inborn genetic diseases. Identifiers: MedGen C0950123, MeSH D030342.

Submission:

Ambry Genetics
Classification: Uncertain significance for Inborn genetic diseases. Last evaluated: 2025-01-24. Review status: criteria provided, single submitter. Criteria: Ambry Variant Classification Scheme 2023. Collection method: clinical testing. Allele origin: germline.
Comment: The p.F476L variant (also known as c.1428T>G), located in coding exon 10 of the FANCG gene, results from a T to G substitution at nucleotide position 1428. The phenylalanine at codon 476 is replaced by leucine, an amino acid with highly similar properties. This amino acid position is conserved. In addition, this alteration is predicted to be tolerated by in silico analysis. Based on the available evidence, the clinical significance of this variant remains unclear.

NM_004629.2(FANCG):c.1428T>G (p.Phe476Leu)

Gene: FANCG (FA complementation group G; minus strand). Cytogenetic location: 9p13.3.
Variant type: single nucleotide variant.
Coding change: c.1428T>G on transcript NM_004629.2 (MANE Select); coding-DNA position 1428, T replaced by G.
Protein change: p.Phe476Leu; replaces phenylalanine 476 with leucine.
Molecular consequence: missense variant.
Genome position (GRCh38, 1-based): chr9:35,075,470, A>C on the plus strand (T>G on the coding strand, the complement: FANCG is on the minus strand). VCF-style: chr9-35075470-A-C. GRCh37 (hg19) VCF-style: chr9-35075467-A-C.
Other names: short protein forms F476L.
Identifiers: ClinVar variation 3848416 (VCV003848416.1).